The following is an entry in ClinVar:

NM_014875.3(KIF14):c.4782G>C (p.Trp1594Cys)

Gene: KIF14 (kinesin family member 14; minus strand). Cytogenetic location: 1q32.1.
Variant type: single nucleotide variant.
Coding change: c.4782G>C on transcript NM_014875.3 (MANE Select); coding-DNA position 4782, G replaced by C.
Protein change: p.Trp1594Cys; replaces tryptophan 1594 with cysteine.
Molecular consequence: missense variant.
Genome position (GRCh38, 1-based): chr1:200,553,553, C>G on the plus strand (G>C on the coding strand, the complement: KIF14 is on the minus strand). VCF-style: chr1-200553553-C-G. GRCh37 (hg19) VCF-style: chr1-200522681-C-G.
Other names: c.3309G>C, p.Trp1103Cys (NM_001305792.1); short protein forms W1594C, W1103C.
Identifiers: ClinVar variation 435618 (VCV000435618.9), dbSNP rs764577786, ClinGen allele CA1316917.

ClinVar aggregate classification (germline): Conflicting classifications of pathogenicity. Review status: criteria provided, conflicting classifications (1 of 4 stars). 3 submissions from 3 submitters: Uncertain significance (1); Likely benign (1). 1 of the submissions does not count toward it. Last evaluated 2026-01-06.

Conditions:
KIF14-related disorder. Also called: KIF14-related condition.

Allele frequency attached by ClinVar (database versions not stated): gnomAD below 0.00001 and 0.00006; TOPMed 0.00001; gnomAD exomes 0.00012 and 0.00025; ExAC 0.00025.
gnomAD v4.1: 183 of 1,613,764 alleles (0.011%); highest among the groups gnomAD compares: South Asian, 0.2%; 3 homozygotes.

Submissions (3):

Labcorp Genetics (formerly Invitae), Labcorp
Classification: Likely benign. Last evaluated: 2026-01-06. Review status: criteria provided, single submitter. Criteria: Invitae Variant Classification Sherloc (09022015). Collection method: clinical testing. Allele origin: germline.

Genetic Services Laboratory, University of Chicago
Classification: Uncertain significance. Last evaluated: 2016-10-04. Review status: criteria provided, single submitter. Criteria: ACMG Guidelines, 2015. Collection method: clinical testing. Allele origin: germline. Affected: no.

PreventionGenetics, part of Exact Sciences
Classification: Likely benign for KIF14-related condition. Last evaluated: 2024-01-29. Review status: no assertion criteria provided. Collection method: clinical testing. Allele origin: germline. Not counted in ClinVar's aggregate classification.
Comment: This variant is classified as likely benign based on ACMG/AMP sequence variant interpretation guidelines (Richards et al. 2015 PMID: 25741868, with internal and published modifications).